The following is an entry in ClinVar:

ClinVar aggregate classification (germline): Likely pathogenic (1 of 4 stars; one submission).

Submission:

GeneDx
Classification: Likely pathogenic. Last evaluated: 2016-09-22. Review status: criteria provided, single submitter. Criteria: GeneDx Variant Classification (06012015). Collection method: clinical testing. Allele origin: germline. Affected: yes.
Comment: Although the c.477delC likely pathogenic variant in the FHL1 gene has not been reported to our knowledge, thisvariant causes a shift in reading frame starting at codon Lysine 160, changing it to a Serine, and creating a prematurestop codon at position four of the new reading frame, denoted p.K160SfsX4. This likely pathogenic variant isexpected to result in either an abnormal, truncated protein product or loss of protein from this allele through nonsensemediatedmRNA decay. Several other frameshift variants in the FHL1 gene have been reported in HGMD inassociation with HCM or Emery-Dreifuss muscular dystrophy (Stenson et al., 2014). Furthermore, the c.477delCvariant was not observed in approximately 6,500 individuals of European and African American ancestry in theNHLBI Exome Sequencing Project, indicating it is not a common benign variant in these populations.In summary, c.477delC in the FHL1 gene is

NM_001159699.2(FHL1):c.525del (p.Lys176fs)

Gene: FHL1 (four and a half LIM domains 1; plus strand). Cytogenetic location: Xq26.3.
Variant type: Deletion.
Coding change: c.525del on transcript NM_001159699.2 (MANE Select); coding-DNA position 525, one base deleted (C; older notation c.525delC).
Protein change: p.Lys176fs; shifts the reading frame from lysine 176.
Molecular consequence: frameshift variant. On other transcripts: non-coding transcript variant (1).
Genome position (GRCh38, 1-based): chrX:136,207,937, C deleted; the last of 2 consecutive C bases (chrX:136,207,936-136,207,937); deleting either gives the same sequence. VCF-style (leftmost placement, unchanged base first): chrX-136207935-GC-G. GRCh37 (hg19) VCF-style: chrX-135290094-GC-G.
Other names: c.477del, p.Lys160fs (NM_001159700.2, NM_001159702.3, NM_001159703.2 and 9 more transcripts); c.564del, p.Lys189fs (NM_001159701.2); c.525del, p.Lys176fs (NM_001330659.2); short protein forms K189fs, K160fs, K176fs.
Identifiers: ClinVar variation 422314 (VCV000422314.2), dbSNP rs1064795702, ClinGen allele CA16621206.